The following is an entry in ClinVar:

ClinVar aggregate classification (germline): Uncertain significance (1 of 4 stars; one submission).

gnomAD v4.1: 1 of 1,607,974 alleles (0.000062%); no homozygotes.

Submission:

Labcorp Genetics (formerly Invitae), Labcorp
Classification: Uncertain significance. Last evaluated: 2025-03-28. Review status: criteria provided, single submitter. Criteria: Invitae Variant Classification Sherloc (09022015). Collection method: clinical testing. Allele origin: germline.
Comment: This sequence change replaces serine, which is neutral and polar, with leucine, which is neutral and non-polar, at codon 209 of the PSMG2 protein (p.Ser209Leu). This variant is present in population databases (no rsID available, gnomAD 0.003%). This variant has not been reported in the literature in individuals affected with PSMG2-related conditions. An algorithm developed to predict the effect of missense changes on protein structure and function (PolyPhen-2) suggests that this variant is likely to be disruptive. In summary, the available evidence is currently insufficient to determine the role of this variant in disease. Therefore, it has been classified as a Variant of Uncertain Significance.

NM_020232.5(PSMG2):c.626C>T (p.Ser209Leu)

Gene: PSMG2 (proteasome assembly chaperone 2; plus strand). Cytogenetic location: 18p11.21.
Variant type: single nucleotide variant.
Coding change: c.626C>T on transcript NM_020232.5 (MANE Select); coding-DNA position 626, C replaced by T.
Protein change: p.Ser209Leu; replaces serine 209 with leucine.
Molecular consequence: missense variant.
Genome position (GRCh38, 1-based): chr18:12,724,543, C>T. VCF-style: chr18-12724543-C-T. GRCh37 (hg19) VCF-style: chr18-12724542-C-T.
Other names: c.533C>T, p.Ser178Leu (NM_147163.2); short protein forms S209L, S178L.
Identifiers: ClinVar variation 4762312 (VCV004762312.1).